The following is an entry in ClinVar:

NM_000197.2(HSD17B3):c.923A>C (p.Lys308Thr)

Genes: HSD17B3 (hydroxysteroid 17-beta dehydrogenase 3; minus strand), SLC35D2-HSD17B3 (SLC35D2-HSD17B3 readthrough; minus strand). Cytogenetic location: 9q22.32.
Variant type: single nucleotide variant.
Coding change: c.923A>C on transcript NM_000197.2 (MANE Select); coding-DNA position 923, A replaced by C.
Protein change: p.Lys308Thr; replaces lysine 308 with threonine.
Molecular consequence: missense variant.
Genome position (GRCh38, 1-based): chr9:96,235,470, T>G on the plus strand (A>C on the coding strand, the complement: HSD17B3 is on the minus strand). VCF-style: chr9-96235470-T-G. GRCh37 (hg19) VCF-style: chr9-98997752-T-G.
Other names: c.923A>C (NM_000197.1); short protein forms K308T.
Identifiers: ClinVar variation 1979770 (VCV001979770.3), dbSNP rs758786011, ClinGen allele CA5140227.

ClinVar aggregate classification (germline): Uncertain significance. Review status: criteria provided, multiple submitters, no conflicts (2 of 4 stars). 2 submissions from 2 submitters: Uncertain significance (2). Last evaluated 2026-01-12.

Conditions:
Inborn genetic diseases. Identifiers: MedGen C0950123, MeSH D030342.

Allele frequency attached by ClinVar (database versions not stated): ExAC 0.00001; gnomAD 0.00001.
gnomAD v4.1: 28 of 1,612,510 alleles (0.0017%); highest among the groups gnomAD compares: Non-Finnish European, 0.0023%; no homozygotes.

Submissions (2):

Labcorp Genetics (formerly Invitae), Labcorp
Classification: Uncertain significance. Last evaluated: 2026-01-12. Review status: criteria provided, single submitter. Criteria: Invitae Variant Classification Sherloc (09022015). Collection method: clinical testing. Allele origin: germline.
Comment: This sequence change replaces lysine, which is basic and polar, with threonine, which is neutral and polar, at codon 308 of the HSD17B3 protein (p.Lys308Thr). This variant is present in population databases (rs758786011, gnomAD 0.005%). This variant has not been reported in the literature in individuals affected with HSD17B3-related conditions. ClinVar contains an entry for this variant (Variation ID: 1979770). Invitae Evidence Modeling of protein sequence and biophysical properties (such as structural, functional, and spatial information, amino acid conservation, physicochemical variation, residue mobility, and thermodynamic stability) indicates that this missense variant is not expected to disrupt HSD17B3 protein function with a negative predictive value of 95%. In summary, the available evidence is currently insufficient to determine the role of this variant in disease. Therefore, it has been classified as a Variant of Uncertain Significance.

Ambry Genetics
Classification: Uncertain significance for Inborn genetic diseases. Last evaluated: 2024-08-07. Review status: criteria provided, single submitter. Criteria: Ambry Variant Classification Scheme 2023. Collection method: clinical testing. Allele origin: germline.